The following is an entry in ClinVar:

ClinVar aggregate classification (germline): Benign (1 of 4 stars; one submission).

Allele frequency attached by ClinVar (database versions not stated): 1000 Genomes Project 0.11302; 1000 Genomes Project 30x 0.11384; TOPMed 0.17308; gnomAD 0.18449 and 0.18714.
gnomAD v4.1: 28,134 of 151,940 alleles (19%); highest among the groups gnomAD compares: Non-Finnish European, 26%; 3,304 homozygotes.

Submission:

GeneDx
Classification: Benign. Last evaluated: 2018-06-19. Review status: criteria provided, single submitter. Criteria: GeneDx Variant Classification (06012015). Collection method: clinical testing. Allele origin: germline. Affected: yes.
Comment: This variant is considered likely benign or benign based on one or more of the following criteria: it is a conservative change, it occurs at a poorly conserved position in the protein, it is predicted to be benign by multiple in silico algorithms, and/or has population frequency not consistent with disease.

NM_003384.3(VRK1):c.710-331G>A

Gene: VRK1 (VRK serine/threonine kinase 1; plus strand). Cytogenetic location: 14q32.2.
Variant type: single nucleotide variant.
Coding change: c.710-331G>A on transcript NM_003384.3 (MANE Select); 331 bases into the intron before coding-DNA position 710, G replaced by A.
Molecular consequence: intron variant.
Genome position (GRCh38, 1-based): chr14:96,855,799, G>A. VCF-style: chr14-96855799-G-A. GRCh37 (hg19) VCF-style: chr14-97322136-G-A.
Identifiers: ClinVar variation 680836 (VCV000680836.1), dbSNP rs61981026, ClinGen allele CA15820379.
Genomic context (GRCh38, chr14:96,855,799, plus strand): 5'-TTCAGCAGTCATTTCTTCTGTGCTCAAAGCTGTGGAAGAACTCAAATACCCAGTTCTCTG[G>A]GCCTCTTAATAGCATATAAAAATTTTAAGAATATCTTCAAGTTTTCCAAAGGAAAACTAG-3'